The following is an entry in ClinVar:

NM_033305.3(VPS13A):c.8954-2A>G

Gene: VPS13A (vacuolar protein sorting 13 homolog A; plus strand). Cytogenetic location: 9q21.2.
Variant type: single nucleotide variant.
Coding change: c.8954-2A>G on transcript NM_033305.3 (MANE Select); the canonical splice acceptor site of the intron before coding-DNA position 8954, A replaced by G.
Molecular consequence: splice acceptor variant.
Genome position (GRCh38, 1-based): chr9:77,371,024, A>G. VCF-style: chr9-77371024-A-G. GRCh37 (hg19) VCF-style: chr9-79985940-A-G.
Other names: c.8837-2A>G (NM_001018037.2); c.8954-2A>G (NM_015186.4, NM_001018038.3).
Identifiers: ClinVar variation 2768380 (VCV002768380.3), dbSNP rs2538207078, ClinGen allele CA373868620.
Genomic context (GRCh38, chr9:77,371,024, plus strand): 5'-TTCTAAGTTGATTCTGTTTTCATTCTTGGATGCAATTGTCAAAAACTCTTTTTTCTTTCC[A>G]GGAGCTCAAAAAGGAGGAGCAGCTGGTTTCTTTAAAGGTGTTGGGAAAGGTTTAGTAGGA-3'

ClinVar aggregate classification (germline): Likely pathogenic (1 of 4 stars; one submission).

Submission:

Labcorp Genetics (formerly Invitae), Labcorp
Classification: Likely pathogenic. Last evaluated: 2023-10-14. Review status: criteria provided, single submitter. Criteria: Invitae Variant Classification Sherloc (09022015). Collection method: clinical testing. Allele origin: germline.
Comment: This sequence change affects an acceptor splice site in intron 66 of the VPS13A gene. It is expected to disrupt RNA splicing. Variants that disrupt the donor or acceptor splice site typically lead to a loss of protein function (PMID: 16199547), and loss-of-function variants in VPS13A are known to be pathogenic (PMID: 12404112, 21598378). This variant is not present in population databases (gnomAD no frequency). This variant has not been reported in the literature in individuals affected with VPS13A-related conditions. Algorithms developed to predict the effect of sequence changes on RNA splicing suggest that this variant may disrupt the consensus splice site. In summary, the currently available evidence indicates that the variant is pathogenic, but additional data are needed to prove that conclusively. Therefore, this variant has been classified as Likely Pathogenic.

Literature cited by the submitters: PubMed 16199547; PubMed 12404112; PubMed 21598378.